The following is an entry in ClinVar:

NM_000426.4(LAMA2):c.3239A>G (p.Asn1080Ser)

Gene: LAMA2 (laminin subunit alpha 2; plus strand). Cytogenetic location: 6q22.33.
Variant type: single nucleotide variant.
Coding change: c.3239A>G on transcript NM_000426.4 (MANE Select); coding-DNA position 3239, A replaced by G.
Protein change: p.Asn1080Ser; replaces asparagine 1080 with serine.
Molecular consequence: missense variant.
Genome position (GRCh38, 1-based): chr6:129,312,925, A>G. VCF-style: chr6-129312925-A-G. GRCh37 (hg19) VCF-style: chr6-129634070-A-G.
Other names: c.3239A>G, p.Asn1080Ser (NM_001079823.2); short protein forms N1080S.
Identifiers: ClinVar variation 2081951 (VCV002081951.7), dbSNP rs757867264, ClinGen allele CA3993216.
Genomic context (GRCh38, chr6:129,312,925, plus strand): 5'-GTAACTGCAGCACAGTGGGATCCTTGGATTTCCAATGCAATGTAAATACAGGCCAATGCA[A>G]CTGTCATCCAAAATTCTCTGGTGCAAAATGTACAGAGTGCAGTCGAGGTCACTGGAACTA-3'
Protein context (NP_000417.3, residues 1070-1090): FQCNVNTGQC[Asn1080Ser]CHPKFSGAKC

ClinVar aggregate classification (germline): Uncertain significance. Review status: criteria provided, multiple submitters, no conflicts (2 of 4 stars). 4 submissions from 4 submitters: Uncertain significance (4). Last evaluated 2023-07-05.

Conditions:
LAMA2-related muscular dystrophy (LAMA2-RD). Also called: Laminin alpha 2-related dystrophy. Identifiers: MedGen C5679788, MONDO:0100228.
Merosin deficient congenital muscular dystrophy (MDC1A). Also called: Congenital Muscular Dystrophy Type 1A (MDC1A); Congenital merosin-deficient muscular dystrophy 1A. Identifiers: Orphanet 258, MedGen C1263858, MONDO:0011925, OMIM 607855.
Muscular dystrophy, limb-girdle, autosomal recessive 23. Identifiers: Orphanet 565837, MedGen C4748327, MONDO:0029136, OMIM 618138.
Inborn genetic diseases. Identifiers: MedGen C0950123, MeSH D030342.

Allele frequency attached by ClinVar (database versions not stated): TOPMed 0.00002; gnomAD 0.00005; gnomAD exomes 0.00014; ExAC 0.00002.

Submissions (4):

Ambry Genetics
Classification: Uncertain significance for Inborn genetic diseases. Last evaluated: 2023-07-05. Review status: criteria provided, single submitter. Criteria: Ambry Variant Classification Scheme 2023. Collection method: clinical testing. Allele origin: germline.

Labcorp Genetics (formerly Invitae), Labcorp
Classification: Uncertain significance for LAMA2-related muscular dystrophy. Last evaluated: 2022-04-02. Review status: criteria provided, single submitter. Criteria: Invitae Variant Classification Sherloc (09022015). Collection method: clinical testing. Allele origin: germline.
Comment: This sequence change replaces asparagine, which is neutral and polar, with serine, which is neutral and polar, at codon 1080 of the LAMA2 protein (p.Asn1080Ser). This variant is present in population databases (rs757867264, gnomAD 0.006%). This variant has not been reported in the literature in individuals affected with LAMA2-related conditions. Advanced modeling of protein sequence and biophysical properties (such as structural, functional, and spatial information, amino acid conservation, physicochemical variation, residue mobility, and thermodynamic stability) performed at Invitae indicates that this missense variant is not expected to disrupt LAMA2 protein function. In summary, the available evidence is currently insufficient to determine the role of this variant in disease. Therefore, it has been classified as a Variant of Uncertain Significance.

Revvity Omics, Revvity
Classification: Uncertain significance. Last evaluated: 2021-09-06. Review status: criteria provided, single submitter. Criteria: ACMG Guidelines, 2015. Collection method: clinical testing. Allele origin: germline.

Department of Pathology and Laboratory Medicine, Sinai Health System
Classification: Uncertain significance for Merosin deficient congenital muscular dystrophy; Muscular dystrophy, limb-girdle, autosomal recessive 23. Last evaluated: 2020-05-07. Review status: criteria provided, single submitter. Criteria: ACMG Guidelines, 2015. Collection method: research. Allele origin: germline.